The following is an entry in ClinVar:

ClinVar aggregate classification (germline): Pathogenic (1 of 4 stars; one submission).

Conditions:
Neurofibromatosis, type 1 (NF1). Also called: Peripheral type neurofibromatosis; Neurofibromatosis, type I; VON RECKLINGHAUSEN DISEASE; NEUROFIBROMATOSIS, TYPE I, SOMATIC. Identifiers: Orphanet 636, MedGen C0027831, MONDO:0018975, OMIM 162200. Disease mechanism: loss of function.

Submission:

Labcorp Genetics (formerly Invitae), Labcorp
Classification: Pathogenic for Neurofibromatosis, type 1. Last evaluated: 2019-07-14. Review status: criteria provided, single submitter. Criteria: Invitae Variant Classification Sherloc (09022015). Collection method: clinical testing. Allele origin: germline.
Comment: This sequence change affects acceptor splice site in intron 40 of the NF1 gene. It is expected to disrupt RNA splicing and likely results in an absent or disrupted protein product. This variant is not present in population databases (ExAC no frequency). This variant has not been reported in the literature in individuals with NF1-related conditions. Experimental studies have shown that disruption of this splice site disrupts mRNA splicing (PMID: 18546366). Donor and acceptor splice site variants typically lead to a loss of protein function (PMID: 16199547), and loss-of-function variants in NF1 are known to be pathogenic (PMID: 10712197, 23913538). For these reasons, this variant has been classified as Pathogenic.

Literature cited by the submitters: PubMed 18546366; PubMed 16199547; PubMed 10712197; PubMed 23913538.

NM_001042492.3(NF1):c.6148-4_6148-2del

Gene: NF1 (neurofibromin 1; plus strand). Cytogenetic location: 17q11.2.
Variant type: Deletion.
Coding change: c.6148-4_6148-2del on transcript NM_001042492.3 (MANE Select); 4 bases into the intron before coding-DNA position 6148 through the canonical splice acceptor site of the intron before coding-DNA position 6148, 3 bases deleted (ACA; older notation c.6148-4_6148-2delACA).
Molecular consequence: splice acceptor variant.
Genome position (GRCh38, 1-based): chr17:31,336,631-31,336,633, ACA deleted. VCF-style (leftmost placement, unchanged base first): chr17-31336630-TACA-T. GRCh37 (hg19) VCF-style: chr17-29663648-TACA-T.
Other names: c.6085-4_6085-2del (NM_000267.4).
Identifiers: ClinVar variation 943910 (VCV000943910.2), dbSNP rs2069681044, ClinGen allele CA1139665404.
Genomic context (GRCh38, chr17:31,336,630, plus strand): 5'-TTTTGTGCTAAAACTTTGAGTCCCATGTTTTTTTTTTTAAAAAAAAAAATCCTGCTTCTT[TACA>T]GGTTATTGGAAGGATGTGCAAAATAATTGACAAGACATGCTTATCTCCAACTCCTACTTT-3'